The following is an entry in ClinVar:

NM_001114753.3(ENG):c.595dup (p.Arg199fs)

Gene: ENG (endoglin; minus strand). Cytogenetic location: 9q34.11.
Variant type: Duplication.
Coding change: c.595dup on transcript NM_001114753.3 (MANE Select); coding-DNA position 595, one base duplicated (C; older notation c.595dupC).
Protein change: p.Arg199fs; shifts the reading frame from arginine 199.
Molecular consequence: frameshift variant.
Genome position (GRCh38, 1-based): chr9:127,825,789, G duplicated on the plus strand (C on the coding strand, the reverse complement: ENG is on the minus strand). VCF-style (leftmost placement, unchanged base first): chr9-127825788-C-CG. GRCh37 (hg19) VCF-style: chr9-130588067-C-CG.
Other names: c.595dup, p.Arg199Profs (NM_000118.4, NM_001406715.1); c.49dup, p.Arg17fs (NM_001278138.2); short protein forms R17fs, R199fs.
Identifiers: ClinVar variation 1750686 (VCV001750686.5), dbSNP rs2468533185, ClinGen allele CA2580079687.

ClinVar aggregate classification (germline): Pathogenic. Review status: criteria provided, multiple submitters, no conflicts (2 of 4 stars). 2 submissions from 2 submitters: Pathogenic (2). Last evaluated 2025-05-29.

Conditions:
Hereditary hemorrhagic telangiectasia (HHT). Also called: ORW DISEASE; Osler Weber Rendu syndrome; OSLER-RENDU-WEBER DISEASE; Osler hemorrhagic telangiectasia syndrome. Identifiers: Orphanet 774, MedGen C0039445, MONDO:0019180. Disease mechanism: loss of function.
Cardiovascular phenotype. Identifiers: MedGen CN230736.

Submissions (2):

Labcorp Genetics (formerly Invitae), Labcorp
Classification: Pathogenic for Hereditary hemorrhagic telangiectasia. Last evaluated: 2025-05-29. Review status: criteria provided, single submitter. Criteria: Invitae Variant Classification Sherloc (09022015). Collection method: clinical testing. Allele origin: germline.
Comment: This sequence change creates a premature translational stop signal (p.Arg199Profs*135) in the ENG gene. It is expected to result in an absent or disrupted protein product. Loss-of-function variants in ENG are known to be pathogenic (PMID: 15879500). This variant is not present in population databases (gnomAD no frequency). This variant has not been reported in the literature in individuals affected with ENG-related conditions. ClinVar contains an entry for this variant (Variation ID: 1750686). For these reasons, this variant has been classified as Pathogenic.

Ambry Genetics
Classification: Pathogenic for Cardiovascular phenotype. Last evaluated: 2016-09-29. Review status: criteria provided, single submitter. Criteria: Ambry Variant Classification Scheme 2023. Collection method: clinical testing. Allele origin: germline.
Comment: The c.595_596insC pathogenic mutation, located in coding exon 5 of the ENG gene, results from an insertion of one nucleotide at position 595, causing a translational frameshift with a predicted alternate stop codon (p.R199Pfs*135). This alteration is expected to result in loss of function by premature protein truncation or nonsense-mediated mRNA decay. As such, this alteration is interpreted as a disease-causing mutation.

Literature cited by the submitters: PubMed 15879500 (cited by Labcorp Genetics (formerly Invitae), Labcorp).